The following is an entry in ClinVar:

ClinVar aggregate classification (germline): Uncertain significance (1 of 4 stars; one submission).

Conditions:
Mucopolysaccharidosis, MPS-IV-A (MPS4A). Also called: MPS IVA; GALACTOSAMINE-6-SULFATASE DEFICIENCY; GALNS DEFICIENCY; MORQUIO A DISEASE; Morquio syndrome A, mild; MORQUIO SYNDROME A. Identifiers: Orphanet 309297, Orphanet 582, MedGen C0086651, MONDO:0009659, OMIM 253000.

Submission:

Labcorp Genetics (formerly Invitae), Labcorp
Classification: Uncertain significance for Mucopolysaccharidosis, MPS-IV-A. Last evaluated: 2022-07-05. Review status: criteria provided, single submitter. Criteria: Invitae Variant Classification Sherloc (09022015). Collection method: clinical testing. Allele origin: germline.
Comment: This sequence change replaces threonine, which is neutral and polar, with proline, which is neutral and non-polar, at codon 404 of the GALNS protein (p.Thr404Pro). In summary, the available evidence is currently insufficient to determine the role of this variant in disease. Therefore, it has been classified as a Variant of Uncertain Significance. Advanced modeling of protein sequence and biophysical properties (such as structural, functional, and spatial information, amino acid conservation, physicochemical variation, residue mobility, and thermodynamic stability) performed at Invitae indicates that this missense variant is expected to disrupt GALNS protein function. ClinVar contains an entry for this variant (Variation ID: 1471888). This variant has not been reported in the literature in individuals affected with GALNS-related conditions. This variant is not present in population databases (gnomAD no frequency).

NM_000512.5(GALNS):c.1210A>C (p.Thr404Pro)

Gene: GALNS (galactosamine (N-acetyl)-6-sulfatase; minus strand). Cytogenetic location: 16q24.3.
Variant type: single nucleotide variant.
Coding change: c.1210A>C on transcript NM_000512.5 (MANE Select); coding-DNA position 1210, A replaced by C.
Protein change: p.Thr404Pro; replaces threonine 404 with proline.
Molecular consequence: missense variant.
Genome position (GRCh38, 1-based): chr16:88,824,799, T>G on the plus strand (A>C on the coding strand, the complement: GALNS is on the minus strand). VCF-style: chr16-88824799-T-G. GRCh37 (hg19) VCF-style: chr16-88891207-T-G.
Other names: c.655A>C, p.Thr219Pro (NM_001323543.2); c.1228A>C, p.Thr410Pro (NM_001323544.2); short protein forms T410P, T219P, T404P.
Identifiers: ClinVar variation 1471888 (VCV001471888.8), dbSNP rs2142993800, ClinGen allele CA397097534.